The following is an entry in ClinVar:

NM_001126108.2(SLC12A3):c.2814del (p.Trp939fs)

Gene: SLC12A3 (solute carrier family 12 member 3; plus strand). Cytogenetic location: 16q13.
Variant type: Deletion.
Coding change: c.2814del on transcript NM_001126108.2 (MANE Select); coding-DNA position 2814, one base deleted (C; older notation c.2814delC).
Protein change: p.Trp939fs; shifts the reading frame from tryptophan 939.
Molecular consequence: frameshift variant.
Genome position (GRCh38, 1-based): chr16:56,902,466, C deleted; the last of 4 consecutive C bases (chr16:56,902,463-56,902,466); deleting any one gives the same sequence. VCF-style (leftmost placement, unchanged base first): chr16-56902462-GC-G. GRCh37 (hg19) VCF-style: chr16-56936374-GC-G.
Other names: c.2841del, p.Trp948fs (NM_000339.3); c.2838del, p.Trp947fs (NM_001126107.2); c.2811del, p.Trp938fs (NM_001410896.1); c.2841delC (NM_000339.3, NM_000339.2); short protein forms W938fs, W939fs, W947fs, W948fs.
Identifiers: ClinVar variation 3068861 (VCV003068861.3), dbSNP rs1250318081, ClinGen allele CA721949480.
Genomic context (GRCh38, chr16:56,902,462, plus strand): 5'-CCTTCCGTCTGAATGATGGCTTCAAGGATGAGGCCACTGTCAACGAGATGCGGCGGGACT[GC>G]CCCTGGAAGATCTCAGATGAGGAGATTACGAAGAACAGAGTCAAGGTGCAGAGAGGGGTG-3'

ClinVar aggregate classification (germline): Pathogenic/Likely pathogenic. Review status: criteria provided, multiple submitters, no conflicts (2 of 4 stars). 2 submissions from 2 submitters: Pathogenic (1); Likely pathogenic (1). Last evaluated 2024-05-10.

Conditions:
Familial hypokalemia-hypomagnesemia (GTLMNS). Also called: HYPOMAGNESEMIA-HYPOKALEMIA, PRIMARY RENOTUBULAR, WITH HYPOCALCIURIA; POTASSIUM AND MAGNESIUM DEPLETION; gitelman syndrome. Identifiers: Orphanet 358, MedGen C0268450, MONDO:0009904, OMIM 263800.

Submissions (2):

Natera, Inc.
Classification: Likely pathogenic for Gitelman syndrome. Last evaluated: 2024-05-10. Review status: criteria provided, single submitter. Criteria: Natera Variant Classification Schema (03/2026). Collection method: clinical testing. Allele origin: germline.
Comment: The c.2841delC variant in SLC12A3 is a frameshift variant predicted to shift the reading frame beginning at codon 948 and leads to a stop codon 19 codons downstream. This variant is expected to result in nonsense mediated decay, truncation, or a dysfunctional protein product. This variant is rare in the general population with a frequency below the threshold expected for the associated phenotype(s). Given the available evidence, this variant is classified as Likely Pathogenic.

Women's Health and Genetics/Laboratory Corporation of America, LabCorp
Classification: Pathogenic for Familial hypokalemia-hypomagnesemia. Last evaluated: 2024-02-15. Review status: criteria provided, single submitter. Criteria: LabCorp Variant Classification Summary - May 2015. Collection method: clinical testing. Allele origin: germline.
Comment: Variant summary: SLC12A3 c.2841delC (p.Trp948GlyfsX19) results in a premature termination codon, predicted to cause absence of the protein due to nonsense mediated decay, which is a commonly known mechanism for disease. The variant was absent in 251426 control chromosomes (gnomAD). To our knowledge, no occurrence of c.2841delC in individuals affected with Familial Hypokalemia-Hypomagnesemia and no experimental evidence demonstrating its impact on protein function have been reported. No submitters have cited clinical-significance assessments for this variant to ClinVar. Based on the evidence outlined above, the variant was classified as pathogenic.